The following is an entry in ClinVar:

ClinVar aggregate classification (germline): Uncertain significance. Review status: criteria provided, multiple submitters, no conflicts (2 of 4 stars). 3 submissions from 3 submitters: Uncertain significance (3). Last evaluated 2026-01-26.

Conditions:
Birt-Hogg-Dube syndrome. Also called: Birt Hogg Dubé syndrome. Identifiers: Orphanet 122, MedGen C0346010, MONDO:0800444.
Nonpapillary renal cell carcinoma. Identifiers: Orphanet 422526, MedGen CN074294, MONDO:0007763, OMIM 144700.
17p11.2 microduplication syndrome (PTLS). Also called: CHROMOSOME 17p11.2 DUPLICATION SYNDROME; Potocki-Lupski syndrome; Duplication 17p11.2 syndrome; Potocki-Lupski syndrome (dup(17)(p11.2p11.2)). Identifiers: Orphanet 1713, MedGen C2931246, MONDO:0012574, OMIM 610883.
Familial spontaneous pneumothorax (PSP). Identifiers: Orphanet 2903, MedGen C1868193, MONDO:0008259, OMIM 173600.
Carcinoma of colon (CRC). Also called: Colon carcinoma; Colonic carcinoma. Identifiers: MedGen C0699790, MONDO:0002032.
Hereditary cancer-predisposing syndrome. Also called: Hereditary neoplastic syndrome; Tumor predisposition; Neoplastic Syndromes, Hereditary; Hereditary Cancer Syndrome. Identifiers: Orphanet 140162, MedGen C0027672, MeSH D009386, MONDO:0015356.

Allele frequency attached by ClinVar (database versions not stated): TOPMed 0.00001.
gnomAD v4.1: 13 of 1,614,034 alleles (0.00081%); highest among the groups gnomAD compares: Non-Finnish European, 0.001%; no homozygotes.

Submissions (3):

Labcorp Genetics (formerly Invitae), Labcorp
Classification: Uncertain significance for Birt-Hogg-Dube syndrome. Last evaluated: 2026-01-26. Review status: criteria provided, single submitter. Criteria: Invitae Variant Classification Sherloc (09022015). Collection method: clinical testing. Allele origin: germline.
Comment: This sequence change replaces valine, which is neutral and non-polar, with leucine, which is neutral and non-polar, at codon 437 of the FLCN protein (p.Val437Leu). This variant is not present in population databases (gnomAD no frequency). This variant has not been reported in the literature in individuals affected with FLCN-related conditions. ClinVar contains an entry for this variant (Variation ID: 529982). Invitae Evidence Modeling of protein sequence and biophysical properties (such as structural, functional, and spatial information, amino acid conservation, physicochemical variation, residue mobility, and thermodynamic stability) indicates that this missense variant is not expected to disrupt FLCN protein function with a negative predictive value of 80%. In summary, the available evidence is currently insufficient to determine the role of this variant in disease. Therefore, it has been classified as a Variant of Uncertain Significance.

Ambry Genetics
Classification: Uncertain significance for Hereditary cancer-predisposing syndrome. Last evaluated: 2023-11-27. Review status: criteria provided, single submitter. Criteria: Ambry Variant Classification Scheme 2023. Collection method: clinical testing. Allele origin: germline.
Comment: The p.V437L variant (also known as c.1309G>C), located in coding exon 9 of the FLCN gene, results from a G to C substitution at nucleotide position 1309. The valine at codon 437 is replaced by leucine, an amino acid with highly similar properties. This amino acid position is highly conserved in available vertebrate species. In addition, the in silico prediction for this alteration is inconclusive. Since supporting evidence is limited at this time, the clinical significance of this alteration remains unclear.

Fulgent Genetics
Classification: Uncertain significance for Colorectal cancer; Birt-Hogg-Dube syndrome 1; Nonpapillary renal cell carcinoma; Familial spontaneous pneumothorax; 17p11.2 microduplication syndrome. Last evaluated: 2018-10-31. Review status: criteria provided, single submitter. Criteria: ACMG Guidelines, 2015. Collection method: clinical testing. Allele origin: unknown.

NM_144997.7(FLCN):c.1309G>C (p.Val437Leu)

Gene: FLCN (folliculin; minus strand). Cytogenetic location: 17p11.2.
Variant type: single nucleotide variant.
Coding change: c.1309G>C on transcript NM_144997.7 (MANE Select); coding-DNA position 1309, G replaced by C.
Protein change: p.Val437Leu; replaces valine 437 with leucine.
Molecular consequence: missense variant.
Genome position (GRCh38, 1-based): chr17:17,215,308, C>G on the plus strand (G>C on the coding strand, the complement: FLCN is on the minus strand). VCF-style: chr17-17215308-C-G. GRCh37 (hg19) VCF-style: chr17-17118622-C-G.
Other names: c.1309G>C (LRG_325t1); c.1363G>C, p.Val455Leu (NM_001353229.2); c.1309G>C, p.Val437Leu (NM_001353230.2, NM_001353231.2); short protein forms V437L, V455L.
Identifiers: ClinVar variation 529982 (VCV000529982.11), dbSNP rs772207015, ClinGen allele CA288305835.